The following is an entry in ClinVar:

ClinVar aggregate classification (germline): Pathogenic (1 of 4 stars; one submission).

Submission:

Labcorp Genetics (formerly Invitae), Labcorp
Classification: Pathogenic. Last evaluated: 2023-05-22. Review status: criteria provided, single submitter. Criteria: Invitae Variant Classification Sherloc (09022015). Collection method: clinical testing. Allele origin: germline.
Comment: This variant has not been reported in the literature in individuals affected with USH2A-related conditions. For these reasons, this variant has been classified as Pathogenic. This variant is not present in population databases (gnomAD no frequency). This sequence change creates a premature translational stop signal (p.Ala4721Profs*25) in the USH2A gene. It is expected to result in an absent or disrupted protein product. Loss-of-function variants in USH2A are known to be pathogenic (PMID: 10729113, 10909849, 20507924, 25649381).

Literature cited by the submitters: PubMed 10729113; PubMed 10909849; PubMed 20507924; PubMed 25649381.

NM_206933.4(USH2A):c.14161del (p.Ala4721fs)

Gene: USH2A (usherin; minus strand). Cytogenetic location: 1q41.
Variant type: Deletion.
Coding change: c.14161del on transcript NM_206933.4 (MANE Select); coding-DNA position 14161, one base deleted (G; older notation c.14161delG).
Protein change: p.Ala4721fs; shifts the reading frame from alanine 4721.
Molecular consequence: frameshift variant.
Genome position (GRCh38, 1-based): chr1:215,650,774, C deleted on the plus strand (G on the coding strand, the reverse complement: USH2A is on the minus strand). VCF-style (leftmost placement, unchanged base first): chr1-215650773-GC-G. GRCh37 (hg19) VCF-style: chr1-215824115-GC-G.
Other names: short protein forms A4721fs.
Identifiers: ClinVar variation 2913611 (VCV002913611.3), dbSNP rs2464821278, ClinGen allele CA2739275625.
Genomic context (GRCh38, chr1:215,650,773, plus strand): 5'-GGGGCTCTGAGACCTTCTGGTGGGGCTGGCCCGGTTCTGCACCATGTCCAGCTACTGGGG[GC>G]TTTTCCTGCAGAATTCACTGCCCAGACCTCCAAAGAGAAATCAACAAGACTGTCAAAAGC-3'